The following is an entry in ClinVar:

ClinVar aggregate classification (germline): Uncertain significance. Review status: criteria provided, multiple submitters, no conflicts (2 of 4 stars). 2 submissions from 2 submitters: Uncertain significance (2). Last evaluated 2026-05-14.

Conditions:
Cardiovascular phenotype. Identifiers: MedGen CN230736.
Brugada syndrome 8 (BRGDA8). Identifiers: Orphanet 130, MedGen C2751083, MONDO:0013148, OMIM 613123.

Allele frequency attached by ClinVar (database versions not stated): gnomAD 0.00001; TOPMed 0.00002; ExAC 0.00003; 1000 Genomes Project 30x 0.00031; gnomAD exomes 0.00003.
gnomAD v4.1: 6 of 1,553,168 alleles (0.00039%); highest among the groups gnomAD compares: East Asian, 0.014%; no homozygotes.

Submissions (2):

Ambry Genetics
Classification: Uncertain significance for Cardiovascular phenotype. Last evaluated: 2026-05-14. Review status: criteria provided, single submitter. Criteria: Ambry Variant Classification Scheme 2023. Collection method: clinical testing. Allele origin: germline.
Comment: The p.P172R variant (also known as c.515C>G), located in coding exon 1 of the HCN4 gene, results from a C to G substitution at nucleotide position 515. The proline at codon 172 is replaced by arginine, an amino acid with dissimilar properties. This amino acid position is conserved. In addition, the in silico prediction for this alteration is inconclusive. Based on the available evidence, the clinical significance of this variant remains unclear.

Labcorp Genetics (formerly Invitae), Labcorp
Classification: Uncertain significance for Brugada syndrome 8. Last evaluated: 2024-10-28. Review status: criteria provided, single submitter. Criteria: Invitae Variant Classification Sherloc (09022015). Collection method: clinical testing. Allele origin: germline.
Comment: This sequence change replaces proline, which is neutral and non-polar, with arginine, which is basic and polar, at codon 172 of the HCN4 protein (p.Pro172Arg). This variant is present in population databases (rs747356931, gnomAD 0.04%). This variant has not been reported in the literature in individuals affected with HCN4-related conditions. ClinVar contains an entry for this variant (Variation ID: 1001210). Invitae Evidence Modeling of protein sequence and biophysical properties (such as structural, functional, and spatial information, amino acid conservation, physicochemical variation, residue mobility, and thermodynamic stability) indicates that this missense variant is not expected to disrupt HCN4 protein function with a negative predictive value of 95%. In summary, the available evidence is currently insufficient to determine the role of this variant in disease. Therefore, it has been classified as a Variant of Uncertain Significance.

NM_005477.3(HCN4):c.515C>G (p.Pro172Arg)

Gene: HCN4 (hyperpolarization activated cyclic nucleotide gated potassium channel 4; minus strand). Cytogenetic location: 15q24.1.
Variant type: single nucleotide variant.
Coding change: c.515C>G on transcript NM_005477.3 (MANE Select); coding-DNA position 515, C replaced by G.
Protein change: p.Pro172Arg; replaces proline 172 with arginine.
Molecular consequence: missense variant.
Genome position (GRCh38, 1-based): chr15:73,367,756, G>C on the plus strand (C>G on the coding strand, the complement: HCN4 is on the minus strand). VCF-style: chr15-73367756-G-C. GRCh37 (hg19) VCF-style: chr15-73660097-G-C.
Other names: c.515C>G (NM_005477.2); short protein forms P172R.
Identifiers: ClinVar variation 1001210 (VCV001001210.9), dbSNP rs747356931, ClinGen allele CA7649472.